The following is an entry in ClinVar:

ClinVar aggregate classification (germline): Uncertain significance (1 of 4 stars; one submission).

Submission:

Labcorp Genetics (formerly Invitae), Labcorp
Classification: Uncertain significance. Last evaluated: 2022-03-17. Review status: criteria provided, single submitter. Criteria: Invitae Variant Classification Sherloc (09022015). Collection method: clinical testing. Allele origin: germline.
Comment: This variant has not been reported in the literature in individuals affected with PCSK1-related conditions. This sequence change replaces glycine, which is neutral and non-polar, with cysteine, which is neutral and slightly polar, at codon 269 of the PCSK1 protein (p.Gly269Cys). This variant is not present in population databases (gnomAD no frequency). Algorithms developed to predict the effect of missense changes on protein structure and function (SIFT, PolyPhen-2, Align-GVGD) all suggest that this variant is likely to be disruptive. Algorithms developed to predict the effect of sequence changes on RNA splicing suggest that this variant may create or strengthen a splice site. In summary, the available evidence is currently insufficient to determine the role of this variant in disease. Therefore, it has been classified as a Variant of Uncertain Significance.

NM_000439.5(PCSK1):c.805G>T (p.Gly269Cys)

Genes: CAST (calpastatin; plus strand), PCSK1 (proprotein convertase subtilisin/kexin type 1; minus strand), LOC101929710 (uncharacterized LOC101929710; plus strand). Cytogenetic location: 5q15.
Variant type: single nucleotide variant.
Coding change: c.805G>T on transcript NM_000439.5 (MANE Select); coding-DNA position 805, G replaced by T.
Protein change: p.Gly269Cys; replaces glycine 269 with cysteine.
Molecular consequence: missense variant.
Genome position (GRCh38, 1-based): chr5:96,412,395, C>A on the plus strand (G>T on the coding strand, the complement: PCSK1 is on the minus strand). VCF-style: chr5-96412395-C-A. GRCh37 (hg19) VCF-style: chr5-95748099-C-A.
Other names: c.664G>T, p.Gly222Cys (NM_001177875.2); short protein forms G269C, G222C.
Identifiers: ClinVar variation 1474306 (VCV001474306.6), dbSNP rs2112422331, ClinGen allele CA360482340.